The following is an entry in ClinVar:

ClinVar aggregate classification (germline): Uncertain significance (1 of 4 stars; one submission).

Allele frequency attached by ClinVar (database versions not stated): gnomAD exomes below 0.00001.
gnomAD v4.1: 2 of 1,181,602 alleles (0.00017%); highest among the groups gnomAD compares: South Asian, 0.0037%; no homozygotes.

Submission:

Labcorp Genetics (formerly Invitae), Labcorp
Classification: Uncertain significance. Last evaluated: 2022-10-12. Review status: criteria provided, single submitter. Criteria: Invitae Variant Classification Sherloc (09022015). Collection method: clinical testing. Allele origin: germline.
Comment: Advanced modeling of protein sequence and biophysical properties (such as structural, functional, and spatial information, amino acid conservation, physicochemical variation, residue mobility, and thermodynamic stability) performed at Invitae indicates that this missense variant is expected to disrupt CACNA1F protein function. This variant has not been reported in the literature in individuals affected with CACNA1F-related conditions. This variant is not present in population databases (gnomAD no frequency). This sequence change replaces tryptophan, which is neutral and slightly polar, with arginine, which is basic and polar, at codon 533 of the CACNA1F protein (p.Trp533Arg). Algorithms developed to predict the effect of sequence changes on RNA splicing suggest that this variant may create or strengthen a splice site. In summary, the available evidence is currently insufficient to determine the role of this variant in disease. Therefore, it has been classified as a Variant of Uncertain Significance.

NM_001256789.3(CACNA1F):c.1564T>A (p.Trp522Arg)

Gene: CACNA1F (calcium voltage-gated channel subunit alpha1 F; minus strand). Cytogenetic location: Xp11.23.
Variant type: single nucleotide variant.
Coding change: c.1564T>A on transcript NM_001256789.3 (MANE Select); coding-DNA position 1564, T replaced by A.
Protein change: p.Trp522Arg; replaces tryptophan 522 with arginine.
Molecular consequence: missense variant.
Genome position (GRCh38, 1-based): chrX:49,225,996, A>T on the plus strand (T>A on the coding strand, the complement: CACNA1F is on the minus strand). VCF-style: chrX-49225996-A-T. GRCh37 (hg19) VCF-style: chrX-49082458-A-T.
Other names: c.1402T>A, p.Trp468Arg (NM_001256790.3); c.1597T>A, p.Trp533Arg (NM_005183.4); short protein forms W522R, W533R, W468R.
Identifiers: ClinVar variation 1978485 (VCV001978485.4), dbSNP rs2519123571, ClinGen allele CA412916400.